The following is an entry in ClinVar:

ClinVar aggregate classification (germline): Uncertain significance (1 of 4 stars; one submission).

Submission:

Ambry Genetics
Classification: Uncertain significance. Last evaluated: 2022-11-17. Review status: criteria provided, single submitter. Criteria: Ambry Variant Classification Scheme 2023. Collection method: clinical testing. Allele origin: germline.
Comment: The p.V229D variant (also known as c.686T>A), located in coding exon 8 of the BUB1 gene, results from a T to A substitution at nucleotide position 686. The valine at codon 229 is replaced by aspartic acid, an amino acid with highly dissimilar properties. This amino acid position is conserved. In addition, this alteration is predicted to be tolerated by in silico analysis. Since supporting evidence is limited at this time, the clinical significance of this alteration remains unclear.

NM_004336.5(BUB1):c.686T>A (p.Val229Asp)

Gene: BUB1 (BUB1 mitotic checkpoint serine/threonine kinase; minus strand). Cytogenetic location: 2q13.
Variant type: single nucleotide variant.
Coding change: c.686T>A on transcript NM_004336.5 (MANE Select); coding-DNA position 686, T replaced by A.
Protein change: p.Val229Asp; replaces valine 229 with aspartic acid.
Molecular consequence: missense variant.
Genome position (GRCh38, 1-based): chr2:110,667,640, A>T on the plus strand (T>A on the coding strand, the complement: BUB1 is on the minus strand). VCF-style: chr2-110667640-A-T. GRCh37 (hg19) VCF-style: chr2-111425217-A-T.
Other names: c.626T>A, p.Val209Asp (NM_001278616.2); c.686T>A, p.Val229Asp (NM_001278617.2); short protein forms V209D, V229D.
Identifiers: ClinVar variation 2446975 (VCV002446975.2), dbSNP rs750827119, ClinGen allele CA348217866.